The following is an entry in ClinVar:

NM_145046.5(CALR3):c.599G>A (p.Trp200Ter)

Gene: CALR3 (calreticulin 3; minus strand). Cytogenetic location: 19p13.11.
Variant type: single nucleotide variant.
Coding change: c.599G>A on transcript NM_145046.5 (MANE Select); coding-DNA position 599, G replaced by A.
Protein change: p.Trp200Ter; replaces tryptophan 200 with a stop codon.
Molecular consequence: nonsense.
Genome position (GRCh38, 1-based): chr19:16,484,009, C>T on the plus strand (G>A on the coding strand, the complement: CALR3 is on the minus strand). VCF-style: chr19-16484009-C-T. GRCh37 (hg19) VCF-style: chr19-16594820-C-T.
Other names: short protein forms W200*.
Identifiers: ClinVar variation 4760557 (VCV004760557.1).
Genomic context (GRCh38, chr19:16,484,009, plus strand): 5'-GTCTGTTCCCAATCCTTCGATTCTGCCGGGGACGTTTCCTTCTTGAGTGATGTTAAGTTC[C>T]AGTCGTACTCTATGCTGCCGGATTCAATTGACTGACCATCAATTTTCACATCATAAGAAA-3'

ClinVar aggregate classification (germline): Uncertain significance (1 of 4 stars; one submission).

Conditions:
Hypertrophic cardiomyopathy 19. Also called: Familial hypertrophic cardiomyopathy 19. Identifiers: MedGen CN077603, MONDO:0013476.

Submission:

Labcorp Genetics (formerly Invitae), Labcorp
Classification: Uncertain significance for Hypertrophic cardiomyopathy 19. Last evaluated: 2025-08-06. Review status: criteria provided, single submitter. Criteria: Invitae Variant Classification Sherloc (09022015). Collection method: clinical testing. Allele origin: germline.
Comment: This sequence change creates a premature translational stop signal (p.Trp200*) in the CALR3 gene. It is expected to result in an absent or disrupted protein product. However, the current clinical and genetic evidence is not sufficient to establish whether loss-of-function variants in CALR3 cause disease. This variant is not present in population databases (gnomAD no frequency). This variant has not been reported in the literature in individuals affected with CALR3-related conditions. Algorithms developed to predict the effect of sequence changes on RNA splicing suggest that this variant may disrupt the consensus splice site. In summary, the available evidence is currently insufficient to determine the role of this variant in disease. Therefore, it has been classified as a Variant of Uncertain Significance.